The following is an entry in ClinVar:

ClinVar aggregate classification (germline): Uncertain significance (1 of 4 stars; one submission).

Allele frequency attached by ClinVar (database versions not stated): ExAC 0.00001; gnomAD 0.00001; TOPMed 0.00001.
gnomAD v4.1: 13 of 1,614,076 alleles (0.00081%); highest among the groups gnomAD compares: Non-Finnish European, 0.001%; no homozygotes.

Submission:

Labcorp Genetics (formerly Invitae), Labcorp
Classification: Uncertain significance. Last evaluated: 2024-02-03. Review status: criteria provided, single submitter. Criteria: Invitae Variant Classification Sherloc (09022015). Collection method: clinical testing. Allele origin: germline.
Comment: This sequence change replaces valine, which is neutral and non-polar, with phenylalanine, which is neutral and non-polar, at codon 935 of the ATP1A1 protein (p.Val935Phe). This variant is present in population databases (rs761343155, gnomAD 0.002%). This variant has not been reported in the literature in individuals affected with ATP1A1-related conditions. ClinVar contains an entry for this variant (Variation ID: 1901725). Advanced modeling of protein sequence and biophysical properties (such as structural, functional, and spatial information, amino acid conservation, physicochemical variation, residue mobility, and thermodynamic stability) performed at Invitae indicates that this missense variant is not expected to disrupt ATP1A1 protein function with a negative predictive value of 80%. In summary, the available evidence is currently insufficient to determine the role of this variant in disease. Therefore, it has been classified as a Variant of Uncertain Significance.

NM_000701.8(ATP1A1):c.2803G>T (p.Val935Phe)

Genes: ATP1A1 (ATPase Na+/K+ transporting subunit alpha 1; plus strand), ATP1A1-AS1 (ATP1A1 antisense RNA 1; minus strand). Cytogenetic location: 1p13.1.
Variant type: single nucleotide variant.
Coding change: c.2803G>T on transcript NM_000701.8 (MANE Select); coding-DNA position 2803, G replaced by T.
Protein change: p.Val935Phe; replaces valine 935 with phenylalanine.
Molecular consequence: missense variant.
Genome position (GRCh38, 1-based): chr1:116,401,214, G>T. VCF-style: chr1-116401214-G-T. GRCh37 (hg19) VCF-style: chr1-116943836-G-T.
Other names: c.2803G>T, p.Val935Phe (NM_001160233.2); c.2710G>T, p.Val904Phe (NM_001160234.2); short protein forms V935F, V904F.
Identifiers: ClinVar variation 1901725 (VCV001901725.5), dbSNP rs761343155, ClinGen allele CA1025642.